The following is an entry in ClinVar:

NM_000213.5(ITGB4):c.4404_4405insCATA (p.Tyr1469fs)

Genes: GALK1 (galactokinase 1; minus strand), ITGB4 (integrin subunit beta 4; plus strand). Cytogenetic location: 17q25.1.
Variant type: Insertion.
Coding change: c.4404_4405insCATA on transcript NM_000213.5 (MANE Select); coding-DNA positions 4404 to 4405, CATA inserted.
Protein change: p.Tyr1469fs; shifts the reading frame from tyrosine 1469.
Molecular consequence: frameshift variant. On other transcripts: intron variant (1).
Genome position: GRCh38 VCF-style: chr17-75754661-C-CCATA. GRCh37 (hg19) VCF-style: chr17-73750742-C-CCATA.
Other names: c.4194_4195insCATA, p.Tyr1399fs (NM_001005619.2, NM_001005731.3, NM_001321123.2 and 1 more transcripts); c.*23-2925_*23-2924insTATG (NM_001381985.1); short protein forms Y1399fs, Y1469fs.
Identifiers: ClinVar variation 3002609 (VCV003002609.3), dbSNP rs2545867748, ClinGen allele CA2740093924.

ClinVar aggregate classification (germline): Pathogenic (1 of 4 stars; one submission).

Submission:

Labcorp Genetics (formerly Invitae), Labcorp
Classification: Pathogenic. Last evaluated: 2024-02-22. Review status: criteria provided, single submitter. Criteria: Invitae Variant Classification Sherloc (09022015). Collection method: clinical testing. Allele origin: germline.
Comment: This sequence change creates a premature translational stop signal (p.Tyr1399Hisfs*104) in the ITGB4 gene. It is expected to result in an absent or disrupted protein product. Loss-of-function variants in ITGB4 are known to be pathogenic (PMID: 11328943, 16473856). This variant is not present in population databases (gnomAD no frequency). This variant has not been reported in the literature in individuals affected with ITGB4-related conditions. For these reasons, this variant has been classified as Pathogenic.

Literature cited by the submitters: PubMed 11328943; PubMed 16473856.